The following is an entry in ClinVar:

ClinVar aggregate classification (germline): Uncertain significance (1 of 4 stars; one submission).

Allele frequency attached by ClinVar (database versions not stated): gnomAD exomes 0.00002; ExAC 0.00003; gnomAD 0.00005; TOPMed 0.00005.
gnomAD v4.1: 40 of 1,612,314 alleles (0.0025%); highest among the groups gnomAD compares: African/African-American, 0.011%; 2 homozygotes.

Submission:

Labcorp Genetics (formerly Invitae), Labcorp
Classification: Uncertain significance. Last evaluated: 2024-07-13. Review status: criteria provided, single submitter. Criteria: Invitae Variant Classification Sherloc (09022015). Collection method: clinical testing. Allele origin: germline.
Comment: This sequence change replaces arginine, which is basic and polar, with cysteine, which is neutral and slightly polar, at codon 602 of the MCM5 protein (p.Arg602Cys). This variant is present in population databases (rs200953315, gnomAD 0.01%). This variant has not been reported in the literature in individuals affected with MCM5-related conditions. ClinVar contains an entry for this variant (Variation ID: 2176766). Advanced modeling of protein sequence and biophysical properties (such as structural, functional, and spatial information, amino acid conservation, physicochemical variation, residue mobility, and thermodynamic stability) performed at Invitae indicates that this missense variant is not expected to disrupt MCM5 protein function with a negative predictive value of 80%. In summary, the available evidence is currently insufficient to determine the role of this variant in disease. Therefore, it has been classified as a Variant of Uncertain Significance.

NM_006739.4(MCM5):c.1804C>T (p.Arg602Cys)

Gene: MCM5 (minichromosome maintenance complex component 5; plus strand). Cytogenetic location: 22q12.3.
Variant type: single nucleotide variant.
Coding change: c.1804C>T on transcript NM_006739.4 (MANE Select); coding-DNA position 1804, C replaced by T.
Protein change: p.Arg602Cys; replaces arginine 602 with cysteine.
Molecular consequence: missense variant.
Genome position (GRCh38, 1-based): chr22:35,419,984, C>T. VCF-style: chr22-35419984-C-T. GRCh37 (hg19) VCF-style: chr22-35815977-C-T.
Other names: short protein forms R602C.
Identifiers: ClinVar variation 2176766 (VCV002176766.4), dbSNP rs200953315, ClinGen allele CA10205512.